The following is an entry in ClinVar:

NM_000128.4(F11):c.1135+4A>C

Gene: F11 (coagulation factor XI; plus strand). Cytogenetic location: 4q35.2.
Variant type: single nucleotide variant.
Coding change: c.1135+4A>C on transcript NM_000128.4 (MANE Select); 4 bases into the intron after coding-DNA position 1135, A replaced by C.
Molecular consequence: intron variant.
Genome position (GRCh38, 1-based): chr4:186,280,584, A>C. VCF-style: chr4-186280584-A-C. GRCh37 (hg19) VCF-style: chr4-187201738-A-C.
Identifiers: ClinVar variation 3250464 (VCV003250464.1), dbSNP rs1309430562.

ClinVar aggregate classification (germline): Uncertain significance (1 of 4 stars; one submission).

Conditions:
Hereditary factor XI deficiency disease. Also called: PLASMA THROMBOPLASTIN ANTECEDENT DEFICIENCY; PTA DEFICIENCY; ROSENTHAL SYNDROME; Congenital factor XI deficiency. Identifiers: Orphanet 329, MedGen C0015523, MeSH D005173, MONDO:0012897, OMIM 612416.

Allele frequency attached by ClinVar (database versions not stated): gnomAD 0.00002; gnomAD exomes below 0.00001.

Submission:

Neuberg Centre For Genomic Medicine, NCGM
Classification: Uncertain significance for Hereditary factor XI deficiency disease. Review status: criteria provided, single submitter. Criteria: ACMG Guidelines, 2015. Collection method: clinical testing. Allele origin: germline. Inheritance: Autosomal dominant inheritance. Affected: yes.
Comment: The observed splice site variant c.1135+4A>C in F11 gene has not been reported previously as a pathogenic variant nor as a benign variant, to our knowledge. The c.1135+4A>C variant has allele frequency 0.009% in gnomAD Exomes. SpliceAI predicts a donor loss of (score- 0.32) for this variant. This variant has not been submitted to the ClinVar database. For these reasons, this variant has been classified as Variant of Uncertain Significance (VUS).